The following is an entry in ClinVar:

NM_000059.4(BRCA2):c.4012G>T (p.Gly1338Cys)

Gene: BRCA2 (BRCA2 DNA repair associated; plus strand). Cytogenetic location: 13q13.1.
Variant type: single nucleotide variant.
Coding change: c.4012G>T on transcript NM_000059.4 (MANE Select); coding-DNA position 4012, G replaced by T.
Protein change: p.Gly1338Cys; replaces glycine 1338 with cysteine.
Molecular consequence: missense variant. On other transcripts: non-coding transcript variant (1), intron variant (2).
Genome position (GRCh38, 1-based): chr13:32,338,367, G>T. VCF-style: chr13-32338367-G-T. GRCh37 (hg19) VCF-style: chr13-32912504-G-T.
Other names: c.4012G>T, p.Gly1338Cys (NM_001406719.1, NM_001406720.1, NM_001432077.1); c.1909+4980G>T (NM_001406721.1); c.425-6191G>T (NM_001406722.1); short protein forms G1338C.
Identifiers: ClinVar variation 4856433 (VCV004856433.1).
Genomic context (GRCh38, chr13:32,338,367, plus strand): 5'-GAAAATGAAGATAACAAATATACTGCTGCCAGTAGAAATTCTCATAACTTAGAATTTGAT[G>T]GCAGTGATTCAAGTAAAAATGATACTGTTTGTATTCATAAAGATGAAACGGACTTGCTAT-3'
Protein context (NP_000050.3, residues 1328-1348): SRNSHNLEFD[Gly1338Cys]SDSSKNDTVC

ClinVar aggregate classification (germline): Likely benign (1 of 4 stars; one submission).

Conditions:
Breast-ovarian cancer, familial, susceptibility to, 2 (BROVCA2). Also called: BRCA2 Hereditary Breast and Ovarian Cancer. Identifiers: Orphanet 145, MedGen C2675520, MONDO:0012933, OMIM 612555. Disease mechanism: loss of function.

gnomAD v4.1: 2 of 1,587,322 alleles (0.00013%); highest among the groups gnomAD compares: South Asian, 0.0012%; no homozygotes.

Submission:

Cancer Bioinformatics and Tumour Evolution Laboratory, Monash University
Classification: Likely benign for Breast-ovarian cancer, familial, susceptibility to, 2. Last evaluated: 2026-05-01. Review status: criteria provided, single submitter. Criteria: ClinGen BRCA1 and BRCA2 Guidelines, 2024. Collection method: curation. Allele origin: germline. Inheritance: Autosomal dominant inheritance.
Comment: Missense variant outside of a functional domain with no splice impact. BRCA1 and BRCA2 VCEP guidelines recommend application of BP1_Strong (PMID: 39142283)